The following is an entry in ClinVar:

ClinVar aggregate classification (germline): Uncertain significance. Review status: criteria provided, multiple submitters, no conflicts (2 of 4 stars). 4 submissions from 3 submitters: Uncertain significance (4). Last evaluated 2026-01-19.

Conditions:
Hereditary cancer-predisposing syndrome. Also called: Tumor predisposition; Neoplastic Syndromes, Hereditary; Hereditary neoplastic syndrome; Hereditary Cancer Syndrome. Identifiers: Orphanet 140162, MedGen C0027672, MeSH D009386, MONDO:0015356.
Cardiovascular phenotype. Identifiers: MedGen CN230736.
Neurofibromatosis, type 1 (NF1). Also called: VON RECKLINGHAUSEN DISEASE; Neurofibromatosis, type I; NEUROFIBROMATOSIS, TYPE I, SOMATIC; Peripheral type neurofibromatosis. Identifiers: Orphanet 636, MedGen C0027831, MONDO:0018975, OMIM 162200. Disease mechanism: loss of function.

gnomAD v4.1: 2 of 1,613,918 alleles (0.00012%); highest among the groups gnomAD compares: Non-Finnish European, 0.00017%; no homozygotes.

Submissions (4):

Labcorp Genetics (formerly Invitae), Labcorp
Classification: Uncertain significance for Neurofibromatosis, type 1. Last evaluated: 2026-01-19. Review status: criteria provided, single submitter. Criteria: Invitae Variant Classification Sherloc (09022015). Collection method: clinical testing. Allele origin: germline.
Comment: This sequence change replaces serine, which is neutral and polar, with phenylalanine, which is neutral and non-polar, at codon 1311 of the NF1 protein (p.Ser1311Phe). This variant is not present in population databases (gnomAD no frequency). This variant has not been reported in the literature in individuals affected with NF1-related conditions. ClinVar contains an entry for this variant (Variation ID: 143014). Invitae Evidence Modeling of protein sequence and biophysical properties (such as structural, functional, and spatial information, amino acid conservation, physicochemical variation, residue mobility, and thermodynamic stability) has been performed for this missense variant. However, the output from this modeling did not meet the statistical confidence thresholds required to predict the impact of this variant on NF1 protein function. In summary, the available evidence is currently insufficient to determine the role of this variant in disease. Therefore, it has been classified as a Variant of Uncertain Significance.

Ambry Genetics
Classification: Uncertain significance for Cardiovascular phenotype; Hereditary cancer-predisposing syndrome. Last evaluated: 2023-02-14. Review status: criteria provided, single submitter. Criteria: Ambry General Variant Classification Scheme_2022. Collection method: clinical testing. Allele origin: germline.
Comment: The p.S1311F variant (also known as c.3932C>T), located in coding exon 29 of the NF1 gene, results from a C to T substitution at nucleotide position 3932. The serine at codon 1311 is replaced by phenylalanine, an amino acid with highly dissimilar properties. This alteration was identified in a cohort of individuals undergoing whole exome sequencing for diverse clinical indications (Li AH et al. Genome Med, 2017 Oct;9:95). This amino acid position is well conserved in available vertebrate species. In addition, the in silico prediction for this alteration is inconclusive. Since supporting evidence is limited at this time, the clinical significance of this alteration remains unclear.

Genome-Nilou Lab
Classification: Uncertain significance for Neurofibromatosis, type 1. Last evaluated: 2022-03-15. Review status: criteria provided, single submitter. Criteria: ACMG Guidelines, 2015. Collection method: clinical testing. Allele origin: germline. Affected: no.

Ambry Genetics
Classification: Uncertain significance for Hereditary cancer-predisposing syndrome. Last evaluated: 2014-04-28. Review status: criteria provided, single submitter. Criteria: Ambry Autosomal Dominant and X-Linked criteria (10/2015). Collection method: clinical testing. Allele origin: germline. Observed: 1 variant allele.
Comment: The p.S1311F variant (also known as c.3932C>T), located in coding exon 29 of the NF1 gene, results from a C to T substitution at nucleotide position 3932. The serine at codon 1311 is replaced by phenylalanine, an amino acid with highly dissimilar properties. This variant was not reported in population based cohorts in the following databases: Database of Single Nucleotide Polymorphisms (dbSNP), NHLBI Exome Sequencing Project (ESP), and 1000 Genomes Project. To date, this alteration has been detected with an allele frequency of approximately 0.02% (greater than 5000 alleles tested) in our clinical cohort (includes this individual). This amino acid position is well conserved in available vertebrate species. In addition, this alteration is predicted to be possibly damaging and tolerated by PolyPhen and SIFT in silico analyses, respectively. Since supporting evidence is limited at this time, the clinical significance of p.S1311F remains unclear.Ã¢â‚¬â€¹

Literature cited by the submitters: PubMed 29089047 (cited by Ambry Genetics).

NM_001042492.3(NF1):c.3932C>T (p.Ser1311Phe)

Gene: NF1 (neurofibromin 1; plus strand). Cytogenetic location: 17q11.2.
Variant type: single nucleotide variant.
Coding change: c.3932C>T on transcript NM_001042492.3 (MANE Select); coding-DNA position 3932, C replaced by T.
Protein change: p.Ser1311Phe; replaces serine 1311 with phenylalanine.
Molecular consequence: missense variant.
Genome position (GRCh38, 1-based): chr17:31,235,979, C>T. VCF-style: chr17-31235979-C-T. GRCh37 (hg19) VCF-style: chr17-29562997-C-T.
Other names: c.3932C>T, p.Ser1311Phe (NM_000267.4); short protein forms S1311F.
Identifiers: ClinVar variation 143014 (VCV000143014.9), dbSNP rs587782894, ClinGen allele CA170026.
Genomic context (GRCh38, chr17:31,235,979, plus strand): 5'-TATATGGTGCTACCTATCTACAAAAACTCCTGGATCCTTTATTACGAATTGTGATCACAT[C>T]CTCTGATTGGCAACATGTTAGCTTTGAAGTGGATCCTACCAGGTTTGTCATCTTTTCACA-3'
Protein context (NP_001035957.1, residues 1301-1321): LDPLLRIVIT[Ser1311Phe]SDWQHVSFEV